The following is an entry in ClinVar:

NM_020812.4(DOCK6):c.5414_5415del (p.Asp1804_Ser1805insTer)

Gene: DOCK6 (dedicator of cytokinesis 6; minus strand). Cytogenetic location: 19p13.2.
Variant type: Microsatellite.
Coding change: c.5414_5415del on transcript NM_020812.4 (MANE Select); coding-DNA positions 5414 to 5415, 2 bases deleted (CT; older notation c.5414_5415delCT).
Protein change: p.Asp1804_Ser1805insTer.
Molecular consequence: nonsense.
Genome position (GRCh38, 1-based): chr19:11,202,430-11,202,431, AG deleted on the plus strand (CT on the coding strand, the reverse complement: DOCK6 is on the minus strand); deleting any 2 consecutive bases within chr19:11,202,430-11,202,433 gives the same sequence; the c. name uses the placement nearest the transcript's 3' end. VCF-style (leftmost placement, unchanged base first): chr19-11202429-TAG-T. GRCh37 (hg19) VCF-style: chr19-11313105-TAG-T.
Other names: c.5519_5520del, p.Asp1839_Ser1840insTer (NM_001367830.1).
Identifiers: ClinVar variation 2428968 (VCV002428968.4), dbSNP rs754615545, ClinGen allele CA9206476.

ClinVar aggregate classification (germline): Likely pathogenic (1 of 4 stars; one submission).

Submission:

GeneDx
Classification: Likely pathogenic. Last evaluated: 2026-06-23. Review status: criteria provided, single submitter. Criteria: GeneDx Variant Classification Process June 2021. Collection method: clinical testing. Allele origin: germline.
Comment: Nonsense variant predicted to result in protein truncation or nonsense mediated decay in a gene for which loss-of-function is a known mechanism of disease; Has not been previously published as pathogenic or benign to our knowledge